The following is an entry in ClinVar:

ClinVar aggregate classification (germline): Likely benign. Review status: criteria provided, multiple submitters, no conflicts (2 of 4 stars). 7 submissions from 7 submitters: Likely benign (7). Last evaluated 2025-08-11.

Conditions:
Inborn genetic diseases. Identifiers: MedGen C0950123, MeSH D030342.
Charcot-Marie-Tooth disease axonal type 2S. Also called: CHARCOT-MARIE-TOOTH DISEASE, AXONAL, AUTOSOMAL RECESSIVE, TYPE 2S; CHARCOT-MARIE-TOOTH NEUROPATHY, TYPE 2S. Identifiers: Orphanet 443073, MedGen C4015349, MONDO:0014511, OMIM 616155.
Autosomal recessive distal spinal muscular atrophy 1. Also called: Spinal muscular atrophy with respiratory distress 1; NEURONOPATHY, SEVERE INFANTILE AXONAL, WITH RESPIRATORY FAILURE; SEVERE INFANTILE AXONAL NEUROPATHY WITH RESPIRATORY FAILURE; SPINAL MUSCULAR ATROPHY, DIAPHRAGMATIC; NEURONOPATHY, DISTAL HEREDITARY MOTOR, HARDING TYPE VI; NEUROPATHY, DISTAL HEREDITARY MOTOR, AUTOSOMAL RECESSIVE 1. Identifiers: Orphanet 98920, MedGen C1858517, MONDO:0011436, OMIM 604320.
Charcot-Marie-Tooth disease. Also called: Charcot-Marie-Tooth Neuropathy; Charcot-Marie-Tooth Hereditary Neuropathy. Identifiers: Orphanet 166, MedGen C0007959, MONDO:0015626.
IGHMBP2-related disorder. Also called: IGHMBP2-related disorders; IGHMBP2-related condition.

Allele frequency attached by ClinVar (database versions not stated): ESP Exome Variant Server 0.00008; gnomAD 0.00008 and 0.00009; gnomAD exomes 0.00009 and 0.00017; TOPMed 0.00011; ExAC 0.00012.
gnomAD v4.1: 258 of 1,613,844 alleles (0.016%); highest among the groups gnomAD compares: Non-Finnish European, 0.021%; no homozygotes.

Submissions (7):

PreventionGenetics, part of Exact Sciences
Classification: Likely benign for IGHMBP2-related condition. Last evaluated: 2025-08-11. Review status: criteria provided, single submitter. Criteria: ACMG Guidelines, 2015. Collection method: clinical testing. Allele origin: germline.
Comment: This variant is classified as likely benign based on ACMG/AMP sequence variant interpretation guidelines (Richards et al. 2015 PMID: 25741868, with internal and published modifications).

Labcorp Genetics (formerly Invitae), Labcorp
Classification: Likely benign for Autosomal recessive distal spinal muscular atrophy 1; Charcot-Marie-Tooth disease axonal type 2S. Last evaluated: 2025-08-06. Review status: criteria provided, single submitter. Criteria: Invitae Variant Classification Sherloc (09022015). Collection method: clinical testing. Allele origin: germline.

CeGaT Center for Human Genetics Tuebingen
Classification: Likely benign. Last evaluated: 2025-06-01. Review status: criteria provided, single submitter. Criteria: CeGaT Center For Human Genetics Tuebingen Variant Classification Criteria Version 2. Collection method: clinical testing. Allele origin: germline. Affected: yes. Observed: 2 variant alleles.
Comment: IGHMBP2: BP4, BP7

Ambry Genetics
Classification: Likely benign for Inborn genetic diseases. Last evaluated: 2019-07-11. Review status: criteria provided, single submitter. Criteria: Ambry Variant Classification Scheme 2023. Collection method: clinical testing. Allele origin: germline.

ARUP Laboratories, Molecular Genetics and Genomics, ARUP Laboratories
Classification: Likely benign. Last evaluated: 2017-06-30. Review status: criteria provided, single submitter. Criteria: ARUP Molecular Germline Variant Investigation Process. Collection method: clinical testing. Allele origin: germline.
Comment: The c.2691C>T variant (rs146286133) has not been previously associated with any peripheral neuropathy and is listed in the ClinVar database as likely benign (Variation ID: 381270). This variant is rare in the general population, and is listed in the Genome Aggregation Database (gnomAD) browser with a frequency in non-Finnish European populations of 0.017% (identified in 22 out of 126,660 chromosomes). However, this variant affects a weakly conserved nucleotide (Alamut software v 2.9), does not alter the amino acid sequence of IGHMBP2 protein, and is not predicted to alter IGHMBP2 mRNA splicing (Alamut software v 2.9). Therefore, the c.2691C>T variant is likely to be benign.

GeneDx
Classification: Likely benign. Last evaluated: 2015-11-19. Review status: criteria provided, single submitter. Criteria: GeneDx Variant Classification (06012015). Collection method: clinical testing. Allele origin: germline. Affected: yes.
Comment: This variant is considered likely benign or benign based on one or more of the following criteria: it is a conservative change, it occurs at a poorly conserved position in the protein, it is predicted to be benign by multiple in silico algorithms, and/or has population frequency not consistent with disease.

Molecular Genetics Laboratory, London Health Sciences Centre
Classification: Likely benign for Charcot-Marie-Tooth disease. Review status: criteria provided, single submitter. Criteria: ACMG Guidelines, 2015. Collection method: clinical testing. Allele origin: germline. Affected: yes.

NM_002180.3(IGHMBP2):c.2691C>T (p.Cys897=)

Gene: IGHMBP2 (immunoglobulin mu DNA binding protein 2; plus strand). Cytogenetic location: 11q13.3.
Variant type: single nucleotide variant.
Coding change: c.2691C>T on transcript NM_002180.3 (MANE Select); coding-DNA position 2691, C replaced by T.
Protein change: p.Cys897=; no amino-acid change (cysteine 897 retained).
Molecular consequence: synonymous variant.
Genome position (GRCh38, 1-based): chr11:68,938,261, C>T. VCF-style: chr11-68938261-C-T. GRCh37 (hg19) VCF-style: chr11-68705729-C-T.
Identifiers: ClinVar variation 381270 (VCV000381270.45), dbSNP rs146286133, ClinGen allele CA6153986.
Genomic context (GRCh38, chr11:68,938,261, plus strand): 5'-GCCCACGGAGGAGGACTTTGAGGCCCTGGTTTCTGCCGCCGTTAAGGCTGATAACACCTG[C>T]GGCTTTGCCAAGTGCACAGCCGGCGTCACAACCCTGGGCCAGTTCTGCCAGCTCTGCAGC-3'
Protein context (NP_002171.2, residues 887-907): VSAAVKADNT[Cys897=]GFAKCTAGVT